The following is an entry in ClinVar:

NM_005026.5(PIK3CD):c.328A>C (p.Lys110Gln)

Gene: PIK3CD (phosphatidylinositol-4,5-bisphosphate 3-kinase catalytic subunit delta; plus strand). Cytogenetic location: 1p36.22.
Variant type: single nucleotide variant.
Coding change: c.328A>C on transcript NM_005026.5 (MANE Select); coding-DNA position 328, A replaced by C.
Protein change: p.Lys110Gln; replaces lysine 110 with glutamine.
Molecular consequence: missense variant.
Genome position (GRCh38, 1-based): chr1:9,715,727, A>C. VCF-style: chr1-9715727-A-C. GRCh37 (hg19) VCF-style: chr1-9775785-A-C.
Other names: NM_005026.5(PIK3CD):c.328A>C; p.Lys110Gln; c.328A>C, p.Lys110Gln (NM_001350234.2, NM_001350235.1); short protein forms K110Q.
Identifiers: ClinVar variation 1351534 (VCV001351534.6), dbSNP rs1449263530, ClinGen allele CA338300349.
Genomic context (GRCh38, chr1:9,715,727, plus strand): 5'-TGTGACGTGCAGCCCTTCCTGCCCGTCCTGCGCCTGGTGGCCCGTGAGGGCGACCGCGTG[A>C]AGAAGCTCATCAACTCACAGATCAGCCTCCTCATCGGCAAAGGTAGCTCTGCCGAGTGGG-3'
Protein context (NP_005017.3, residues 100-120): RLVAREGDRV[Lys110Gln]KLINSQISLL

ClinVar aggregate classification (germline): Uncertain significance. Review status: reviewed by expert panel (3 of 4 stars). 2 submissions from 2 submitters: Uncertain significance (1). 1 of the submissions does not count toward it. Last evaluated 2025-12-19.

Conditions:
Immunodeficiency 14 (IMD14A). Also called: ACTIVATED PI3K-DELTA SYNDROME 1; Activated PI3K Delta Syndrome Type 1 (APDS1); p110-DELTA-ACTIVATING MUTATION CAUSING SENESCENT T CELLS, LYMPHADENOPATHY, AND IMMUNODEFICIENCY; IMMUNODEFICIENCY 14A WITH LYMPHOPROLIFERATION, AUTOSOMAL DOMINANT. Identifiers: Orphanet 397596, Orphanet 693661, MedGen C5907821, MONDO:0014222, OMIM 615513.

Allele frequency attached by ClinVar (database versions not stated): gnomAD exomes 0.00001.
gnomAD v4.1: 3 of 1,613,458 alleles (0.00019%); highest among the groups gnomAD compares: Non-Finnish European, 0.00025%; no homozygotes.

Submissions (2):

ClinGen Primary Immune Regulatory Disorders Variant Curation Expert Panel, ClinGen
Classification: Uncertain significance for Immunodeficiency 14. Last evaluated: 2025-12-19. Review status: reviewed by expert panel. Criteria: ClinGen AbDef ACMG Specifications PIK3CD V1.0.0. Collection method: curation. Allele origin: germline. Inheritance: Autosomal dominant inheritance.
Comment: NM_005026.5(PIK3CD):c.328A>C (p.Lys110Gln) is a missense variant that causes substitution of lysine by glutamine at amino acid 110. This variant is present in gnomAD v4.1.0 at a total combined allele frequency of 0.000001859, with 3 alleles / 1,613,458 total alleles across all populations of gnomAD, which is higher than the ClinGen Antibody Deficiencies VCEP PM2_Supporting threshold of <0.00000132. This variant is present in gnomAD v4.1.0 at a GrpMax allele frequency of 0.00000068, with 3 alleles / 1,179,994 total alleles in the European (non-Finnish) population, which is lower than the ClinGen Antibody Deficiencies VCEP BS1 threshold of >0.000316, so no population code is met. The computational predictor REVEL gives a score of 0.097, which is below the ClinGen Antibody Deficiencies VCEP threshold of <0.290 and predicts a non-damaging effect on PIK3CD function. The computational predictor CADD gives a PHRED score of 23.2, which is above the ClinGen Antibody Deficiencies VCEP threshold of <22.7 and does not predict a non-deleterious effect on PIK3CD function. The two predictors do not agree on a non-damaging effect, so BP4 is not met. In summary, this variant meets the criteria to be classified as a variant of uncertain significance for autosomal dominant immunodeficiency 14 based on the ACMG/AMP criteria applied, as specified by the ClinGen Antibody Deficiencies VCEP: None. (VCEP specifications version 1.0.0).

Labcorp Genetics (formerly Invitae), Labcorp
Classification: Uncertain significance for Activated PI3K-delta syndrome. Last evaluated: 2022-07-14. Review status: criteria provided, single submitter. Criteria: Invitae Variant Classification Sherloc (09022015). Collection method: clinical testing. Allele origin: germline. Not counted in ClinVar's aggregate classification.
Comment: In summary, the available evidence is currently insufficient to determine the role of this variant in disease. Therefore, it has been classified as a Variant of Uncertain Significance. Algorithms developed to predict the effect of missense changes on protein structure and function (SIFT, PolyPhen-2, Align-GVGD) all suggest that this variant is likely to be tolerated. ClinVar contains an entry for this variant (Variation ID: 1351534). This variant has not been reported in the literature in individuals affected with PIK3CD-related conditions. This variant is present in population databases (no rsID available, gnomAD 0.002%). This sequence change replaces lysine, which is basic and polar, with glutamine, which is neutral and polar, at codon 110 of the PIK3CD protein (p.Lys110Gln).